The following is an entry in ClinVar:

ClinVar aggregate classification (germline): Likely pathogenic (1 of 4 stars; one submission).

Submission:

Labcorp Genetics (formerly Invitae), Labcorp
Classification: Likely pathogenic. Last evaluated: 2018-05-08. Review status: criteria provided, single submitter. Criteria: Invitae Variant Classification Sherloc (09022015). Collection method: clinical testing. Allele origin: germline.
Comment: In summary, the currently available evidence indicates that the variant is pathogenic, but additional data are needed to prove that conclusively. Therefore, this variant has been classified as Likely Pathogenic. Algorithms developed to predict the effect of missense changes on protein structure and function do not agree on the potential impact of this missense change (SIFT: "Deleterious"; Align-GVGD: "Class C25"). This variant is not present in population databases (ExAC no frequency). This sequence change replaces leucine with valine at codon 353 of the DDX3X protein (p.Leu353Val). The leucine residue is highly conserved and there is a small physicochemical difference between leucine and valine.

NM_001356.5(DDX3X):c.1057T>G (p.Leu353Val)

Gene: DDX3X (DEAD-box helicase 3 X-linked; plus strand). Cytogenetic location: Xp11.4.
Variant type: single nucleotide variant.
Coding change: c.1057T>G on transcript NM_001356.5 (MANE Select); coding-DNA position 1057, T replaced by G.
Protein change: p.Leu353Val; replaces leucine 353 with valine.
Molecular consequence: missense variant. On other transcripts: non-coding transcript variant (1).
Genome position (GRCh38, 1-based): chrX:41,345,211, T>G. VCF-style: chrX-41345211-T-G. GRCh37 (hg19) VCF-style: chrX-41204464-T-G.
Other names: c.1057T>G, p.Leu353Val (NM_001193416.3); c.1009T>G, p.Leu337Val (NM_001193417.3); c.499T>G, p.Leu167Val (NM_001363819.1); short protein forms L167V, L337V, L353V.
Identifiers: ClinVar variation 1067730 (VCV001067730.9), dbSNP rs2147356188, ClinGen allele CA412771292.